The following is an entry in ClinVar:

NM_000088.4(COL1A1):c.298+1G>T

Gene: COL1A1 (collagen type I alpha 1 chain; minus strand). Cytogenetic location: 17q21.33.
Variant type: single nucleotide variant.
Coding change: c.298+1G>T on transcript NM_000088.4 (MANE Select); the canonical splice donor site of the intron after coding-DNA position 298, G replaced by T.
Molecular consequence: splice donor variant.
Genome position (GRCh38, 1-based): chr17:50,199,752, C>A on the plus strand (G>T on the coding strand, the complement: COL1A1 is on the minus strand). VCF-style: chr17-50199752-C-A. GRCh37 (hg19) VCF-style: chr17-48277113-C-A.
Identifiers: ClinVar variation 3726667 (VCV003726667.2).

ClinVar aggregate classification (germline): Pathogenic (1 of 4 stars; one submission).

Conditions:
Osteogenesis imperfecta type I (OI1). Also called: Lobstein's Disease; Lobstein disease; Classic Non-deforming Osteogenesis Imperfecta with Blue Sclerae; OI, TYPE I; OSTEOGENESIS IMPERFECTA TARDA; OSTEOGENESIS IMPERFECTA WITH BLUE SCLERAE. Identifiers: Orphanet 216796, Orphanet 666, MedGen C0023931, MONDO:0008146, OMIM 166200. Disease mechanism: loss of function.

Submission:

Labcorp Genetics (formerly Invitae), Labcorp
Classification: Pathogenic for Osteogenesis imperfecta type I. Last evaluated: 2025-07-28. Review status: criteria provided, single submitter. Criteria: Invitae Variant Classification Sherloc (09022015). Collection method: clinical testing. Allele origin: germline.
Comment: This sequence change affects a donor splice site in intron 2 of the COL1A1 gene. It is expected to disrupt RNA splicing. Variants that disrupt the donor or acceptor splice site typically lead to a loss of protein function (PMID: 16199547), and loss-of-function variants in COL1A1 are known to be pathogenic (PMID: 7942841, 9295084, 9443882). This variant is not present in population databases (gnomAD no frequency). Disruption of this splice site has been observed in individuals with clinical features of osteogenesis imperfecta (internal data). ClinVar contains an entry for this variant (Variation ID: 3726667). Algorithms developed to predict the effect of sequence changes on RNA splicing suggest that this variant may disrupt the consensus splice site. For these reasons, this variant has been classified as Pathogenic.

Literature cited by the submitters: PubMed 16199547; PubMed 7942841; PubMed 9295084; PubMed 9443882.